The following is an entry in ClinVar:

NM_004360.5(CDH1):c.1806del (p.Cys603fs)

Gene: CDH1 (cadherin 1; plus strand). Cytogenetic location: 16q22.1.
Variant type: Deletion.
Coding change: c.1806del on transcript NM_004360.5 (MANE Select); coding-DNA position 1806, one base deleted (C; older notation c.1806delC).
Protein change: p.Cys603fs; shifts the reading frame from cysteine 603.
Molecular consequence: frameshift variant. On other transcripts: 5 prime UTR variant (1).
Genome position (GRCh38, 1-based): chr16:68,822,095, C deleted. VCF-style (leftmost placement, unchanged base first): chr16-68822094-TC-T. GRCh37 (hg19) VCF-style: chr16-68855997-TC-T.
Other names: c.1623del, p.Cys542fs (NM_001317184.2); c.258del, p.Cys87fs (NM_001317185.2); c.-160del (NM_001317186.2); short protein forms C542fs, C603fs, C87fs.
Identifiers: ClinVar variation 4291132 (VCV004291132.1).

ClinVar aggregate classification (germline): Pathogenic (1 of 4 stars; one submission).

Conditions:
Familial cancer of breast. Also called: BREAST CANCER, FAMILIAL; hereditary breast carcinoma; Hereditary breast cancer. Identifiers: Orphanet 227535, MedGen C0346153, MONDO:0016419, OMIM 114480. Disease mechanism: loss of function.

Submission:

Institute of Human Genetics, University of Leipzig Medical Center
Classification: Pathogenic for Familial cancer of breast. Last evaluated: 2025-09-18. Review status: criteria provided, single submitter. Criteria: ACMG Guidelines, 2015. Collection method: clinical testing. Allele origin: unknown. Inheritance: Autosomal dominant inheritance. Affected: yes.
Comment: Criteria applied: PVS1,PM1,PM2_SUP